The following is an entry in ClinVar:

NM_178857.6(RP1L1):c.556T>G (p.Ser186Ala)

Gene: RP1L1 (RP1 like 1). Cytogenetic location: 8p23.1.
Variant type: single nucleotide variant.
Coding change: c.556T>G on transcript NM_178857.6 (MANE Select); coding-DNA position 556, T replaced by G.
Protein change: p.Ser186Ala; replaces serine 186 with alanine.
Molecular consequence: missense variant.
Genome position (GRCh38, 1-based): chr8:10,622,646, A>C on the plus strand (T>G on the coding strand, the complement: RP1L1 is on the minus strand). VCF-style: chr8-10622646-A-C. GRCh37 (hg19) VCF-style: chr8-10480156-A-C.
Other names: c.556T>G (NM_178857.5); short protein forms S186A.
Identifiers: ClinVar variation 1562706 (VCV001562706.12), dbSNP rs201308431, ClinGen allele CA4625644.

ClinVar aggregate classification (germline): Conflicting classifications of pathogenicity. Review status: criteria provided, conflicting classifications (1 of 4 stars). 4 submissions from 4 submitters: Uncertain significance (2); Benign (1); Likely benign (1). Last evaluated 2026-06-20.

Conditions:
Inborn genetic diseases. Identifiers: MedGen C0950123, MeSH D030342.
RP1L1-related disorder. Also called: RP1L1-related condition.

Allele frequency attached by ClinVar (database versions not stated): gnomAD 0.00001; TOPMed 0.00007.
gnomAD v4.1: 60 of 1,614,072 alleles (0.0037%); highest among the groups gnomAD compares: Admixed American, 0.088%; no homozygotes.

Submissions (4):

PreventionGenetics, part of Exact Sciences
Classification: Uncertain significance for RP1L1-related condition. Last evaluated: 2026-06-20. Review status: criteria provided, single submitter. Criteria: ACMG Guidelines, 2015. Collection method: clinical testing. Allele origin: germline.
Comment: The RP1L1 c.556T>G variant is predicted to result in the amino acid substitution p.Ser186Ala. To our knowledge, this variant has not been reported in the literature. This variant is reported in 0.12% of alleles in individuals of Latino descent in gnomAD, which may be too frequent to be a primary cause of disease. Although we suspect that this variant may be benign, at this time, the clinical significance of this variant is uncertain due to the absence of conclusive functional and genetic evidence.

Labcorp Genetics (formerly Invitae), Labcorp
Classification: Likely benign. Last evaluated: 2026-01-28. Review status: criteria provided, single submitter. Criteria: Invitae Variant Classification Sherloc (09022015). Collection method: clinical testing. Allele origin: germline.

Ambry Genetics
Classification: Uncertain significance for Inborn genetic diseases. Last evaluated: 2025-05-18. Review status: criteria provided, single submitter. Criteria: Ambry Variant Classification Scheme 2023. Collection method: clinical testing. Allele origin: germline.

Blueprint Genetics
Classification: Benign. Last evaluated: 2021-12-27. Review status: criteria provided, single submitter. Criteria: ACMG Guidelines, 2015. Collection method: clinical testing. Allele origin: germline.